The following is an entry in ClinVar:

ClinVar aggregate classification (germline): Uncertain significance (1 of 4 stars; one submission).

gnomAD v4.1: 2 of 1,614,188 alleles (0.00012%); highest among the groups gnomAD compares: South Asian, 0.0022%; no homozygotes.

Submission:

Labcorp Genetics (formerly Invitae), Labcorp
Classification: Uncertain significance. Last evaluated: 2025-12-16. Review status: criteria provided, single submitter. Criteria: Invitae Variant Classification Sherloc (09022015). Collection method: clinical testing. Allele origin: germline.
Comment: This sequence change replaces proline, which is neutral and non-polar, with serine, which is neutral and polar, at codon 1642 of the PRPF8 protein (p.Pro1642Ser). This variant is present in population databases (rs757988776, gnomAD 0.003%). This variant has not been reported in the literature in individuals affected with PRPF8-related conditions. Invitae Evidence Modeling of protein sequence and biophysical properties (such as structural, functional, and spatial information, amino acid conservation, physicochemical variation, residue mobility, and thermodynamic stability) indicates that this missense variant is expected to disrupt PRPF8 protein function with a positive predictive value of 80%. In summary, the available evidence is currently insufficient to determine the role of this variant in disease. Therefore, it has been classified as a Variant of Uncertain Significance.

NM_006445.4(PRPF8):c.4924C>T (p.Pro1642Ser)

Gene: PRPF8 (pre-mRNA processing factor 8; minus strand). Cytogenetic location: 17p13.3.
Variant type: single nucleotide variant.
Coding change: c.4924C>T on transcript NM_006445.4 (MANE Select); coding-DNA position 4924, C replaced by T.
Protein change: p.Pro1642Ser; replaces proline 1642 with serine.
Molecular consequence: missense variant.
Genome position (GRCh38, 1-based): chr17:1,659,863, G>A on the plus strand (C>T on the coding strand, the complement: PRPF8 is on the minus strand). VCF-style: chr17-1659863-G-A. GRCh37 (hg19) VCF-style: chr17-1563157-G-A.
Other names: short protein forms P1642S.
Identifiers: ClinVar variation 4811356 (VCV004811356.1).